The following is an entry in ClinVar:

NM_012464.5(TLL1):c.2741A>G (p.Gln914Arg)

Gene: TLL1 (tolloid like 1; plus strand). Cytogenetic location: 4q32.3.
Variant type: single nucleotide variant.
Coding change: c.2741A>G on transcript NM_012464.5 (MANE Select); coding-DNA position 2741, A replaced by G.
Protein change: p.Gln914Arg; replaces glutamine 914 with arginine.
Molecular consequence: missense variant.
Genome position (GRCh38, 1-based): chr4:166,099,361, A>G. VCF-style: chr4-166099361-A-G. GRCh37 (hg19) VCF-style: chr4-167020513-A-G.
Other names: short protein forms Q914R.
Identifiers: ClinVar variation 2630843 (VCV002630843.1), dbSNP rs2477108854, ClinGen allele CA358682155.

ClinVar aggregate classification (germline): Uncertain significance (1 of 4 stars; one submission).

Conditions:
TLL1-related disorder. Also called: TLL1-related condition.

Submission:

PreventionGenetics, part of Exact Sciences
Classification: Uncertain significance for TLL1-related condition. Last evaluated: 2023-08-28. Review status: criteria provided, single submitter. Criteria: ACMG Guidelines, 2015. Collection method: clinical testing. Allele origin: germline.
Comment: The TLL1 c.2741A>G variant is predicted to result in the amino acid substitution p.Gln914Arg. To our knowledge, this variant has not been reported in the literature or in a large population database, indicating this variant is rare. At this time, the clinical significance of this variant is uncertain due to the absence of conclusive functional and genetic evidence.